The following is an entry in ClinVar:

ClinVar aggregate classification (germline): Uncertain significance (1 of 4 stars; one submission).

Allele frequency attached by ClinVar (database versions not stated): gnomAD exomes 0.00001; ExAC 0.00002; gnomAD 0.00003; TOPMed 0.00003; ESP Exome Variant Server 0.00008.
gnomAD v4.1: 7 of 1,605,466 alleles (0.00044%); highest among the groups gnomAD compares: African/African-American, 0.0027%; no homozygotes.

Submission:

Labcorp Genetics (formerly Invitae), Labcorp
Classification: Uncertain significance. Last evaluated: 2025-09-27. Review status: criteria provided, single submitter. Criteria: Invitae Variant Classification Sherloc (09022015). Collection method: clinical testing. Allele origin: germline.
Comment: This sequence change replaces glutamic acid, which is acidic and polar, with aspartic acid, which is acidic and polar, at codon 447 of the PLEKHM2 protein (p.Glu447Asp). The frequency data for this variant in the population databases is considered unreliable, as metrics indicate poor data quality at this position in the gnomAD database. This variant has not been reported in the literature in individuals affected with PLEKHM2-related conditions. ClinVar contains an entry for this variant (Variation ID: 1385957). An algorithm developed to predict the effect of missense changes on protein structure and function (PolyPhen-2) suggests that this variant is likely to be tolerated. In summary, the available evidence is currently insufficient to determine the role of this variant in disease. Therefore, it has been classified as a Variant of Uncertain Significance.

NM_015164.4(PLEKHM2):c.1341G>C (p.Glu447Asp)

Gene: PLEKHM2 (pleckstrin homology and RUN domain containing M2; plus strand). Cytogenetic location: 1p36.21.
Variant type: single nucleotide variant.
Coding change: c.1341G>C on transcript NM_015164.4 (MANE Select); coding-DNA position 1341, G replaced by C.
Protein change: p.Glu447Asp; replaces glutamic acid 447 with aspartic acid.
Molecular consequence: missense variant.
Genome position (GRCh38, 1-based): chr1:15,727,413, G>C. VCF-style: chr1-15727413-G-C. GRCh37 (hg19) VCF-style: chr1-16053908-G-C.
Other names: short protein forms E447D.
Identifiers: ClinVar variation 1385957 (VCV001385957.6), dbSNP rs368687150, ClinGen allele CA616923.
Genomic context (GRCh38, chr1:15,727,413, plus strand): 5'-CTCCCGTGCTGAGCCCCCAGACCAGTCCTTTCGGACCGGCTCTCCCGGGGATGCCCCGGA[G>C]AGGCCGCCGCTTTGCGACTTTAGTGAGGGGCTTTCAGCCCCAATGGACTTCTACCGCTTT-3'
Protein context (NP_055979.2, residues 437-457): FRTGSPGDAP[Glu447Asp]RPPLCDFSEG